The following is an entry in ClinVar:

ClinVar aggregate classification (germline): Uncertain significance. Review status: criteria provided, multiple submitters, no conflicts (2 of 4 stars). 2 submissions from 2 submitters: Uncertain significance (2). Last evaluated 2025-07-10.

Conditions:
Intestinal obstruction in the newborn due to guanylate cyclase 2C deficiency. Identifiers: Orphanet 314376, MedGen C4518781, MONDO:0013843, OMIM 614665.

Allele frequency attached by ClinVar (database versions not stated): gnomAD 0.00001; gnomAD exomes 0.00001; TOPMed 0.00001; ExAC 0.00003; ESP Exome Variant Server 0.00008.
gnomAD v4.1: 28 of 1,613,652 alleles (0.0017%); highest among the groups gnomAD compares: South Asian, 0.0055%; no homozygotes.

Submissions (2):

Labcorp Genetics (formerly Invitae), Labcorp
Classification: Uncertain significance. Last evaluated: 2025-07-10. Review status: criteria provided, single submitter. Criteria: Invitae Variant Classification Sherloc (09022015). Collection method: clinical testing. Allele origin: germline.
Comment: This sequence change replaces arginine, which is basic and polar, with cysteine, which is neutral and slightly polar, at codon 920 of the GUCY2C protein (p.Arg920Cys). This variant is present in population databases (rs149347801, gnomAD 0.007%). This variant has not been reported in the literature in individuals affected with GUCY2C-related conditions. ClinVar contains an entry for this variant (Variation ID: 1333345). Invitae Evidence Modeling of protein sequence and biophysical properties (such as structural, functional, and spatial information, amino acid conservation, physicochemical variation, residue mobility, and thermodynamic stability) indicates that this missense variant is expected to disrupt GUCY2C protein function with a positive predictive value of 80%. In summary, the available evidence is currently insufficient to determine the role of this variant in disease. Therefore, it has been classified as a Variant of Uncertain Significance.

3billion
Classification: Uncertain significance for Intestinal obstruction in the newborn due to guanylate cyclase 2C deficiency. Last evaluated: 2022-01-03. Review status: criteria provided, single submitter. Criteria: ACMG Guidelines, 2015. Collection method: clinical testing. Allele origin: germline. Affected: yes. Observed: 1 heterozygote.
Comment: The variant observed at an extremely low frequency in the gnomAD v2.1.1 dataset (total allele frequency: 0.000014, PM2_M). In silico tool predictions suggest damaging effect of the variant on gene or gene product (REVEL: 0.938, 3CNET: 0.804, PP3_P). A missense variant is a common mechanism associated with Meconium ileus (PP2_P). Therefore, this variant is classified as uncertain significance according to the recommendation of ACMG/AMP guideline.

NM_004963.4(GUCY2C):c.2758C>T (p.Arg920Cys)

Gene: GUCY2C (guanylate cyclase 2C; minus strand). Cytogenetic location: 12p12.3.
Variant type: single nucleotide variant.
Coding change: c.2758C>T on transcript NM_004963.4 (MANE Select); coding-DNA position 2758, C replaced by T.
Protein change: p.Arg920Cys; replaces arginine 920 with cysteine.
Molecular consequence: missense variant.
Genome position (GRCh38, 1-based): chr12:14,621,060, G>A on the plus strand (C>T on the coding strand, the complement: GUCY2C is on the minus strand). VCF-style: chr12-14621060-G-A. GRCh37 (hg19) VCF-style: chr12-14773994-G-A.
Other names: short protein forms R920C.
Identifiers: ClinVar variation 1333345 (VCV001333345.6), dbSNP rs149347801, ClinGen allele CA6463003.
Genomic context (GRCh38, chr12:14,621,060, plus strand): 5'-GTACATATGGTTCCCAATTTGCTAAGATGCTCAACTCCATACCAGAGTGAACTCCAATGC[G>A]AATCCATATTGGGAGGCCAGGAAGATGCTCCAGCTCAAAGGTCCCCATGAAGCTGAGGAT-3'
Protein context (NP_004954.2, residues 910-930): EHLPGLPIWI[Arg920Cys]IGVHSGPCAA